The following is an entry in ClinVar:

NM_001372.4(DNAH9):c.4233C>G (p.Leu1411=)

Gene: DNAH9 (dynein axonemal heavy chain 9; plus strand). Cytogenetic location: 17p12.
Variant type: single nucleotide variant.
Coding change: c.4233C>G on transcript NM_001372.4 (MANE Select); coding-DNA position 4233, C replaced by G.
Protein change: p.Leu1411=; no amino-acid change (leucine 1411 retained).
Molecular consequence: synonymous variant.
Genome position (GRCh38, 1-based): chr17:11,690,055, C>G. VCF-style: chr17-11690055-C-G. GRCh37 (hg19) VCF-style: chr17-11593372-C-G.
Identifiers: ClinVar variation 4873151 (VCV004873151.2).
Genomic context (GRCh38, chr17:11,690,055, plus strand): 5'-GGCCACCGGTGTGAGCTTCACTATGGACCAGGACACCACCCTAGCGCACCTGCTGCAGCT[C>G]CAGCTGCACCACTATGAGGATGAGGTCCGGGGCATTGTGGACAAAGCTGCAAAAGAGATG-3'
Protein context (NP_001363.2, residues 1401-1421): QDTTLAHLLQ[Leu1411=]QLHHYEDEVR

ClinVar aggregate classification (germline): Likely benign (1 of 4 stars; one submission).

Submission:

CeGaT Center for Human Genetics Tuebingen
Classification: Likely benign. Last evaluated: 2026-06-01. Review status: criteria provided, single submitter. Criteria: CeGaT Center For Human Genetics Tuebingen Variant Classification Criteria Version 2. Collection method: clinical testing. Allele origin: germline. Affected: yes. Observed: 1 variant allele.
Comment: DNAH9: PM2:Supporting, BP4, BP7